The following is an entry in ClinVar:

ClinVar aggregate classification (germline): Uncertain significance (1 of 4 stars; one submission).

Submission:

GeneDx
Classification: Uncertain significance. Last evaluated: 2026-03-24. Review status: criteria provided, single submitter. Criteria: GeneDx Variant Classification Process June 2021. Collection method: clinical testing. Allele origin: germline.
Comment: Frameshift variant predicted to result in protein truncation or nonsense mediated decay in a gene for which loss of function is a known mechanism of disease; Has not been previously published as pathogenic or benign to our knowledge

NM_001100427.2(RAP1GDS1):c.797dup (p.Val267fs)

Gene: RAP1GDS1 (Rap1 GTPase-GDP dissociation stimulator 1; plus strand). Cytogenetic location: 4q23.
Variant type: Duplication.
Coding change: c.797dup on transcript NM_001100427.2 (MANE Select); coding-DNA position 797, one base duplicated (T; older notation c.797dupT).
Protein change: p.Val267fs; shifts the reading frame from valine 267.
Molecular consequence: frameshift variant.
Genome position (GRCh38, 1-based): chr4:98,416,778, T duplicated. VCF-style (leftmost placement, unchanged base first): chr4-98416777-C-CT. GRCh37 (hg19) VCF-style: chr4-99337928-C-CT.
Other names: c.800dup, p.Val268fs (NM_001100426.2, NM_021159.5); c.653dup, p.Val219fs (NM_001100428.2); c.650dup, p.Val218fs (NM_001100429.2); c.524dup, p.Val176fs (NM_001100430.2); short protein forms V176fs, V218fs, V219fs, V267fs, V268fs.
Identifiers: ClinVar variation 5017390 (VCV005017390.1).
Genomic context (GRCh38, chr4:98,416,777, plus strand): 5'-TGATTATTTTGTTCACGTTGTTCTTTAGATGCTATTAAACTACAGCTGGTTGAAGCAGGC[C>CT]TAGTAGAGTGTCTACTAGAGATTGTTCAGCAAAAAGTGGATAGTGACAAAGAAGATGATA-3'